The following is an entry in ClinVar:

NM_004826.4(ECEL1):c.155T>C (p.Leu52Pro)

Gene: ECEL1 (endothelin converting enzyme like 1; minus strand). Cytogenetic location: 2q37.1.
Variant type: single nucleotide variant.
Coding change: c.155T>C on transcript NM_004826.4 (MANE Select); coding-DNA position 155, T replaced by C.
Protein change: p.Leu52Pro; replaces leucine 52 with proline.
Molecular consequence: missense variant.
Genome position (GRCh38, 1-based): chr2:232,486,499, A>G on the plus strand (T>C on the coding strand, the complement: ECEL1 is on the minus strand). VCF-style: chr2-232486499-A-G. GRCh37 (hg19) VCF-style: chr2-233351209-A-G.
Other names: c.155T>C, p.Leu52Pro (NM_001290787.2); short protein forms L52P.
Identifiers: ClinVar variation 707886 (VCV000707886.49), dbSNP rs564717204, ClinGen allele CA2167634.

ClinVar aggregate classification (germline): Likely benign. Review status: criteria provided, multiple submitters, no conflicts (2 of 4 stars). 5 submissions from 5 submitters: Likely benign (4). 1 of the submissions does not count toward it. Last evaluated 2026-07-01.

Conditions:
ECEL1-related disorder. Also called: ECEL1-related condition.

Allele frequency attached by ClinVar (database versions not stated): 1000 Genomes Project 0.00060; 1000 Genomes Project 30x 0.00125; ExAC 0.00250; gnomAD exomes 0.00328 and 0.00630; TOPMed 0.00373; gnomAD 0.00450 and 0.00453.
gnomAD v4.1: 8,367 of 1,382,718 alleles (0.61%); highest among the groups gnomAD compares: Non-Finnish European, 0.69%; 24 homozygotes.

Submissions (5):

CeGaT Center for Human Genetics Tuebingen
Classification: Likely benign. Last evaluated: 2026-07-01. Review status: criteria provided, single submitter. Criteria: CeGaT Center For Human Genetics Tuebingen Variant Classification Criteria Version 2. Collection method: clinical testing. Allele origin: germline. Affected: yes. Observed: 4 variant alleles.
Comment: ECEL1: PP3, BS2

Blueprint Genetics
Classification: Likely benign. Last evaluated: 2024-11-21. Review status: criteria provided, single submitter. Criteria: ACMG Guidelines, 2015. Collection method: clinical testing. Allele origin: germline.

GeneDx
Classification: Likely benign. Last evaluated: 2021-03-25. Review status: criteria provided, single submitter. Criteria: GeneDx Variant Classification Process June 2021. Collection method: clinical testing. Allele origin: germline. Affected: yes.

Labcorp Genetics (formerly Invitae), Labcorp
Classification: Likely benign. Last evaluated: 2019-12-31. Review status: criteria provided, single submitter. Criteria: Invitae Variant Classification Sherloc (09022015). Collection method: clinical testing. Allele origin: germline.

PreventionGenetics, part of Exact Sciences
Classification: Likely benign for ECEL1-related condition. Last evaluated: 2019-06-11. Review status: no assertion criteria provided. Collection method: clinical testing. Allele origin: germline. Not counted in ClinVar's aggregate classification.
Comment: This variant is classified as likely benign based on ACMG/AMP sequence variant interpretation guidelines (Richards et al. 2015 PMID: 25741868, with internal and published modifications).